The following is an entry in ClinVar:

NM_017950.4(CCDC40):c.1416del (p.Ile473fs)

Gene: CCDC40 (coiled-coil domain 40 molecular ruler complex subunit; plus strand). Cytogenetic location: 17q25.3.
Variant type: Deletion.
Coding change: c.1416del on transcript NM_017950.4 (MANE Select); coding-DNA position 1416, one base deleted (G; older notation c.1416delG).
Protein change: p.Ile473fs; shifts the reading frame from isoleucine 473.
Molecular consequence: frameshift variant.
Genome position (GRCh38, 1-based): chr17:80,058,956, G deleted; the last of 2 consecutive G bases (chr17:80,058,955-80,058,956); deleting either gives the same sequence. VCF-style (leftmost placement, unchanged base first): chr17-80058954-CG-C. GRCh37 (hg19) VCF-style: chr17-78032753-CG-C.
Other names: c.1416del (NM_017950.3); c.1416del, p.Ile473fs (NM_001243342.2, NM_001330508.2); short protein forms I473fs.
Identifiers: ClinVar variation 581475 (VCV000581475.15), dbSNP rs764011276, ClinGen allele CA8813813.

ClinVar aggregate classification (germline): Pathogenic. Review status: criteria provided, multiple submitters, no conflicts (2 of 4 stars). 4 submissions from 4 submitters: Pathogenic (4). Last evaluated 2026-06-30.

Conditions:
Primary ciliary dyskinesia 15. Also called: CILIARY DYSKINESIA, PRIMARY, 15, WITH OR WITHOUT SITUS INVERSUS. Identifiers: Orphanet 244, MedGen C3151137, MONDO:0013435, OMIM 613808.
CCDC40-related disorder. Also called: CCDC40-related condition.
Primary ciliary dyskinesia. Also called: Ciliary dyskinesia. Identifiers: Orphanet 244, MedGen C0008780, MONDO:0016575, HP:0012265.

Submissions (4):

PreventionGenetics, part of Exact Sciences
Classification: Pathogenic for CCDC40-related condition. Last evaluated: 2026-06-30. Review status: criteria provided, single submitter. Criteria: ACMG Guidelines, 2015. Collection method: clinical testing. Allele origin: germline.
Comment: The CCDC40 c.1416delG variant is predicted to result in a frameshift and premature protein termination (p.Arg472Argfs*3). This variant, alternatively referred to as p.1415delG using legacy nomenclature, has been reported in the homozygous state in multiple individuals with primary ciliary dyskinesia (see for examples, Antony et al. 2013. PubMed ID: 23255504; Baz-Redón et al. 2020. PubMed ID: 32253119; Supplemental Table, Molina-Ramírez et al. 2021. PubMed ID: 33879512; Jat et al. 2024. PubMed ID: 39004944). This variant is reported in 0.020% of alleles in individuals of South Asian descent in gnomAD. Frameshift variants in CCDC40 are expected to be pathogenic. This variant is interpreted as pathogenic.

Victorian Clinical Genetics Services, Murdoch Childrens Research Institute
Classification: Pathogenic for Primary ciliary dyskinesia 15. Last evaluated: 2024-10-11. Review status: criteria provided, single submitter. Criteria: ACMG Guidelines, 2015. Collection method: clinical testing. Allele origin: germline. Inheritance: Autosomal recessive inheritance. Affected: yes.
Comment: Based on the classification scheme VCGS_Germline_v1.3.5, this variant is classified as Pathogenic. Following criteria are met: 0102 - Loss of function is a known mechanism of disease in this gene and is associated with primary ciliary dyskinesia 15 MIM#613808. (I) 0106 - This gene is associated with autosomal recessive disease. (I) 0201 - Variant is predicted to cause nonsense-mediated decay (NMD) and loss of protein (premature termination codon is located at least 54 nucleotides upstream of the final exon-exon junction). (SP) 0252 - This variant is homozygous. (I) 0304 - Variant is present in gnomAD (v4) <0.01 for a recessive condition (19 heterozygotes, 0 homozygotes). (SP) 0701 - Other NMD-predicted variants comparable to the one identified in this case have very strong previous evidence for pathogenicity. Many pathogenic NMD-predicted variants have been identified in ClinVar. (SP)) 1208 - Inheritance information for this variant is not currently available in this individual. (I) Legend: (SP) - Supporting pathogenic, (I) - Information, (SB) - Supporting benign

Labcorp Genetics (formerly Invitae), Labcorp
Classification: Pathogenic for Primary ciliary dyskinesia. Last evaluated: 2022-08-10. Review status: criteria provided, single submitter. Criteria: Invitae Variant Classification Sherloc (09022015). Collection method: clinical testing. Allele origin: germline.
Comment: This sequence change creates a premature translational stop signal (p.Ile473Phefs*2) in the CCDC40 gene. It is expected to result in an absent or disrupted protein product. Loss-of-function variants in CCDC40 are known to be pathogenic (PMID: 21131974, 22693285, 23255504). This variant is present in population databases (rs764011276, gnomAD 0.02%). This premature translational stop signal has been observed in individual(s) with primary ciliary dyskinesia (PMID: 23255504). It has also been observed to segregate with disease in related individuals. This variant is also known as c.1415delG. ClinVar contains an entry for this variant (Variation ID: 581475). For these reasons, this variant has been classified as Pathogenic.

Ambry Genetics
Classification: Pathogenic for Primary ciliary dyskinesia. Last evaluated: 2018-09-10. Review status: criteria provided, single submitter. Criteria: Ambry Variant Classification Scheme 2023. Collection method: clinical testing. Allele origin: germline.
Comment: The c.1416delG pathogenic mutation, located in coding exon 9 of the CCDC40 gene, results from a deletion of one nucleotide at nucleotide position 1416, causing a translational frameshift with a predicted alternate stop codon (p.I473Ffs*2). This variant, designated as c.1415delG, was identified in the homozygous state in two siblings with primary ciliary dyskinesia (Antony D et al. Hum. Mutat., 2013 Mar;34:462-72). In addition to the clinical data presented in the literature, this alteration is expected to result in loss of function by premature protein truncation or nonsense-mediated mRNA decay. As such, this alteration is interpreted as a disease-causing mutation.

Literature cited by the submitters: PubMed 21131974 (cited by Labcorp Genetics (formerly Invitae), Labcorp); PubMed 22693285 (cited by Labcorp Genetics (formerly Invitae), Labcorp); PubMed 23255504 (cited by Labcorp Genetics (formerly Invitae), Labcorp and Ambry Genetics).